The following is an entry in ClinVar:

ClinVar aggregate classification (germline): Uncertain significance (1 of 4 stars; one submission).

Conditions:
Neurofibromatosis, type 1 (NF1). Also called: NEUROFIBROMATOSIS, TYPE I, SOMATIC; Neurofibromatosis, type I; VON RECKLINGHAUSEN DISEASE; Peripheral type neurofibromatosis. Identifiers: Orphanet 636, MedGen C0027831, MONDO:0018975, OMIM 162200. Disease mechanism: loss of function.

Submission:

Labcorp Genetics (formerly Invitae), Labcorp
Classification: Uncertain significance for Neurofibromatosis, type 1. Last evaluated: 2024-12-16. Review status: criteria provided, single submitter. Criteria: Invitae Variant Classification Sherloc (09022015). Collection method: clinical testing. Allele origin: germline.
Comment: This sequence change replaces glutamic acid, which is acidic and polar, with alanine, which is neutral and non-polar, at codon 2779 of the NF1 protein (p.Glu2779Ala). This variant is not present in population databases (gnomAD no frequency). This variant has not been reported in the literature in individuals affected with NF1-related conditions. ClinVar contains an entry for this variant (Variation ID: 1492569). Invitae Evidence Modeling of protein sequence and biophysical properties (such as structural, functional, and spatial information, amino acid conservation, physicochemical variation, residue mobility, and thermodynamic stability) indicates that this missense variant is not expected to disrupt NF1 protein function with a negative predictive value of 95%. In summary, the available evidence is currently insufficient to determine the role of this variant in disease. Therefore, it has been classified as a Variant of Uncertain Significance.

NM_001042492.3(NF1):c.8399A>C (p.Glu2800Ala)

Gene: NF1 (neurofibromin 1; plus strand). Cytogenetic location: 17q11.2.
Variant type: single nucleotide variant.
Coding change: c.8399A>C on transcript NM_001042492.3 (MANE Select); coding-DNA position 8399, A replaced by C.
Protein change: p.Glu2800Ala; replaces glutamic acid 2800 with alanine.
Molecular consequence: missense variant.
Genome position (GRCh38, 1-based): chr17:31,374,034, A>C. VCF-style: chr17-31374034-A-C. GRCh37 (hg19) VCF-style: chr17-29701052-A-C.
Other names: c.8336A>C, p.Glu2779Ala (NM_000267.4); short protein forms E2779A, E2800A.
Identifiers: ClinVar variation 1492569 (VCV001492569.8), dbSNP rs753479281, ClinGen allele CA399205894.